The following is an entry in ClinVar:

NM_014516.4(CNOT3):c.563G>A (p.Arg188His)

Gene: CNOT3 (CCR4-NOT transcription complex subunit 3; plus strand). Cytogenetic location: 19q13.42.
Variant type: single nucleotide variant.
Coding change: c.563G>A on transcript NM_014516.4 (MANE Select); coding-DNA position 563, G replaced by A.
Protein change: p.Arg188His; replaces arginine 188 with histidine.
Molecular consequence: missense variant.
Genome position (GRCh38, 1-based): chr19:54,145,677, G>A. VCF-style: chr19-54145677-G-A. GRCh37 (hg19) VCF-style: chr19-54649413-G-A.
Other names: short protein forms R188H.
Identifiers: ClinVar variation 1285430 (VCV001285430.3), dbSNP rs2146595244, ClinGen allele CA407761051.

ClinVar aggregate classification (germline): Conflicting classifications of pathogenicity. Review status: criteria provided, conflicting classifications (1 of 4 stars). 3 submissions from 3 submitters: Pathogenic (1); Likely pathogenic (1); Uncertain significance (1). Last evaluated 2024-06-10.

Conditions:
Intellectual developmental disorder with speech delay, autism, and dysmorphic facies. Identifiers: MedGen C5231456, MONDO:0032864, OMIM 618672.

Submissions (3):

Laboratorio de Genetica e Diagnostico Molecular, Hospital Israelita Albert Einstein
Classification: Uncertain significance for Intellectual developmental disorder with speech delay, autism, and dysmorphic facies. Last evaluated: 2024-06-10. Review status: criteria provided, single submitter. Criteria: ACMG Guidelines, 2015. Collection method: clinical testing. Allele origin: germline. Affected: yes.
Comment: ACMG classification criteria: PS4 supporting, PM2 supporting, PP2 supporting

Cytogenetique et Genetique Moleculaire, CHU Besancon
Classification: Pathogenic for Intellectual developmental disorder with speech delay, autism, and dysmorphic facies. Last evaluated: 2023-08-13. Review status: criteria provided, single submitter. Criteria: ACMG Guidelines, 2015. Collection method: clinical testing. Allele origin: germline. Affected: yes.
Comment: The NM_014516.4:c.563G>A variant is a missense variant in a gene with low rate of benign missense mutations and for which missense mutation is a common mechanism of a disease (Missense Z-score =3,78) (PP2). This variant was identified in two unrelated probands with global developmental delay and was already reported in two unrelated patients from the literature (PMID: 31201375) (PP5). The variant has been identified as a de novo occurrence, without confirmation of paternity and maternity, in three individual with a phenotype consistent with the gene (PM6). This variant is not present in gnomAD v4.1.0 (PM2). In summary, this variant meets criteria to be classified as likely pathogenic for CNOT3-related neurodevelopmental disorders based on the ACMG/AMP criteria applied (PM2 PM6 PP2 PP5).

Institute of Human Genetics, University of Leipzig Medical Center
Classification: Likely pathogenic for Intellectual developmental disorder with speech delay, autism, and dysmorphic facies. Last evaluated: 2020-10-28. Review status: criteria provided, single submitter. Criteria: ACMG Guidelines, 2015. Collection method: clinical testing. Allele origin: unknown. Affected: yes.

Literature cited by the submitters: PubMed 31201375 (cited by Cytogenetique et Genetique Moleculaire, CHU Besancon).